The following is an entry in ClinVar:

ClinVar aggregate classification (germline): Uncertain significance. Review status: criteria provided, single submitter (1 of 4 stars). 2 submissions from 2 submitters: Uncertain significance (1). 1 of the submissions does not count toward it. Last evaluated 2024-05-22.

Conditions:
Cohen syndrome (COH1). Also called: PEPPER SYNDROME; Cutis verticis gyrata, retinitis pigmentosa, and sensorineural deafness. Identifiers: Orphanet 193, MedGen C0265223, MONDO:0008999, OMIM 216550.

Allele frequency attached by ClinVar (database versions not stated): ExAC 0.00001; gnomAD 0.00001; gnomAD exomes 0.00001; TOPMed 0.00003; ESP Exome Variant Server 0.00008.
gnomAD v4.1: 12 of 1,613,624 alleles (0.00074%); highest among the groups gnomAD compares: African/African-American, 0.0013%; no homozygotes.

Submissions (2):

Labcorp Genetics (formerly Invitae), Labcorp
Classification: Uncertain significance for Cohen syndrome. Last evaluated: 2024-05-22. Review status: criteria provided, single submitter. Criteria: Invitae Variant Classification Sherloc (09022015). Collection method: clinical testing. Allele origin: germline.
Comment: This sequence change replaces glycine, which is neutral and non-polar, with aspartic acid, which is acidic and polar, at codon 1531 of the VPS13B protein (p.Gly1531Asp). This variant is present in population databases (rs140797231, gnomAD 0.002%). This variant has not been reported in the literature in individuals affected with VPS13B-related conditions. ClinVar contains an entry for this variant (Variation ID: 528841). Advanced modeling of protein sequence and biophysical properties (such as structural, functional, and spatial information, amino acid conservation, physicochemical variation, residue mobility, and thermodynamic stability) performed at Invitae indicates that this missense variant is expected to disrupt VPS13B protein function with a positive predictive value of 80%. In summary, the available evidence is currently insufficient to determine the role of this variant in disease. Therefore, it has been classified as a Variant of Uncertain Significance.

Natera, Inc.
Classification: Uncertain significance for Cohen syndrome. Last evaluated: 2019-11-11. Review status: no assertion criteria provided. Collection method: clinical testing. Allele origin: germline. Not counted in ClinVar's aggregate classification.

NM_152564.5(VPS13B):c.4517G>A (p.Gly1506Asp)

Gene: VPS13B (vacuolar protein sorting 13 homolog B; plus strand). Cytogenetic location: 8q22.2.
Variant type: single nucleotide variant.
Coding change: c.4517G>A on transcript NM_152564.5 (MANE Select); coding-DNA position 4517, G replaced by A.
Protein change: p.Gly1506Asp; replaces glycine 1506 with aspartic acid.
Molecular consequence: missense variant.
Genome position (GRCh38, 1-based): chr8:99,511,396, G>A. VCF-style: chr8-99511396-G-A. GRCh37 (hg19) VCF-style: chr8-100523624-G-A.
Other names: c.4592G>A, p.Gly1531Asp (NM_017890.5); short protein forms G1506D, G1531D.
Identifiers: ClinVar variation 528841 (VCV000528841.9), dbSNP rs140797231, ClinGen allele CA4823544.